The following is an entry in ClinVar:

NM_032043.3(BRIP1):c.2537A>T (p.Asp846Val)

Gene: BRIP1 (BRCA1 interacting DNA helicase 1; minus strand). Cytogenetic location: 17q23.2.
Variant type: single nucleotide variant.
Coding change: c.2537A>T on transcript NM_032043.3 (MANE Select); coding-DNA position 2537, A replaced by T.
Protein change: p.Asp846Val; replaces aspartic acid 846 with valine.
Molecular consequence: missense variant.
Genome position (GRCh38, 1-based): chr17:61,693,468, T>A on the plus strand (A>T on the coding strand, the complement: BRIP1 is on the minus strand). VCF-style: chr17-61693468-T-A. GRCh37 (hg19) VCF-style: chr17-59770829-T-A.
Other names: short protein forms D846V.
Identifiers: ClinVar variation 1370666 (VCV001370666.9), dbSNP rs2144186438, ClinGen allele CA400482415.

ClinVar aggregate classification (germline): Uncertain significance (1 of 4 stars; one submission).

Conditions:
Fanconi anemia complementation group J. Also called: BRIP1-Related Fanconi Anemia. Identifiers: Orphanet 84, MedGen C1836860, MONDO:0012187, OMIM 609054.
Familial cancer of breast. Also called: Hereditary breast cancer; BREAST CANCER, FAMILIAL; hereditary breast carcinoma. Identifiers: Orphanet 227535, MedGen C0346153, MONDO:0016419, OMIM 114480. Disease mechanism: loss of function.

Submission:

Labcorp Genetics (formerly Invitae), Labcorp
Classification: Uncertain significance for Familial cancer of breast; Fanconi anemia complementation group J. Last evaluated: 2021-02-08. Review status: criteria provided, single submitter. Criteria: Invitae Variant Classification Sherloc (09022015). Collection method: clinical testing. Allele origin: germline.
Comment: In summary, the available evidence is currently insufficient to determine the role of this variant in disease. Therefore, it has been classified as a Variant of Uncertain Significance. Algorithms developed to predict the effect of missense changes on protein structure and function (SIFT, PolyPhen-2, Align-GVGD) all suggest that this variant is likely to be disruptive, but these predictions have not been confirmed by published functional studies and their clinical significance is uncertain. This variant has not been reported in the literature in individuals with BRIP1-related conditions. This variant is not present in population databases (ExAC no frequency). This sequence change replaces aspartic acid with valine at codon 846 of the BRIP1 protein (p.Asp846Val). The aspartic acid residue is highly conserved and there is a large physicochemical difference between aspartic acid and valine.